The following is an entry in ClinVar:

ClinVar aggregate classification (germline): Pathogenic/Likely pathogenic. Review status: criteria provided, multiple submitters, no conflicts (2 of 4 stars). 3 submissions from 3 submitters: Pathogenic (1); Likely pathogenic (2). Last evaluated 2024-12-11.

Conditions:
X-linked Alport syndrome (ATS1). Also called: NEPHROPATHY AND DEAFNESS, X-LINKED; COL4A5-Related Nephropathy. Identifiers: Orphanet 63, Orphanet 88917, MedGen C4746986, MONDO:0010520, OMIM 301050.

Submissions (3):

Labcorp Genetics (formerly Invitae), Labcorp
Classification: Pathogenic. Last evaluated: 2024-12-11. Review status: criteria provided, single submitter. Criteria: Invitae Variant Classification Sherloc (09022015). Collection method: clinical testing. Allele origin: germline.
Comment: This sequence change replaces glycine, which is neutral and non-polar, with arginine, which is basic and polar, at codon 207 of the COL4A5 protein (p.Gly207Arg). This variant is not present in population databases (gnomAD no frequency). This missense change has been observed in individuals with clinical features of Alport syndrome (internal data). ClinVar contains an entry for this variant (Variation ID: 618579). Invitae Evidence Modeling of protein sequence and biophysical properties (such as structural, functional, and spatial information, amino acid conservation, physicochemical variation, residue mobility, and thermodynamic stability) indicates that this missense variant is expected to disrupt COL4A5 protein function with a positive predictive value of 95%. This variant disrupts the triple helix domain of COL4A5. Glycine residues within the Gly-Xaa-Yaa repeats of the triple helix domain are required for the structure and stability of fibrillar collagens (PMID: 7695699, 8218237, 19344236). In COL4A5, missense variants at these glycine residues are significantly enriched in individuals with disease (PMID: 23720012, 27627812) compared to the general population (ExAC). For these reasons, this variant has been classified as Pathogenic.

Fulgent Genetics
Classification: Likely pathogenic for X-linked Alport syndrome. Last evaluated: 2024-03-13. Review status: criteria provided, single submitter. Criteria: ACMG Guidelines, 2015. Collection method: clinical testing. Allele origin: germline.

ARUP Laboratories, Molecular Genetics and Genomics, ARUP Laboratories
Classification: Likely pathogenic for X-linked Alport syndrome. Last evaluated: 2020-12-11. Review status: criteria provided, single submitter. Criteria: ARUP Molecular Germline Variant Investigation Process 2021. Collection method: clinical testing. Allele origin: germline.
Comment: The COL4A5 c.619G>C; p.Gly207Arg variant (rs1569490379) is not published in the medical literature but is reported in ClinVar (Variation ID: 618579). This variant is absent from general population databases (Exome Variant Server, Genome Aggregation Database), indicating it is not a common polymorphism. The glycine at codon 207 is highly conserved, and computational analyses predict that this variant is deleterious (REVEL: 0.992). Additionally, substitutions involving glycine repeats in the collagen domain is a known pathogenic mechanism in Alport disease (Persikov 2004, Weerakkody 2016). Considering available information, this variant is classified as likely pathogenic. References: Persikov AV et al. Stability related bias in residues replacing glycines within the collagen triple helix (Gly-Xaa-Yaa) in inherited connective tissue disorders. Hum Mutat. 2004 Oct;24(4):330-7. Weerakkody RA et al. Targeted next-generation sequencing makes new molecular diagnoses and expands genotype-phenotype relationship in Ehlers-Danlos syndrome. Genet Med. 2016 Nov;18(11):1119-1127.

Literature cited by the submitters: PubMed 7695699 (cited by Labcorp Genetics (formerly Invitae), Labcorp); PubMed 8218237 (cited by Labcorp Genetics (formerly Invitae), Labcorp); PubMed 19344236 (cited by Labcorp Genetics (formerly Invitae), Labcorp); PubMed 23720012 (cited by Labcorp Genetics (formerly Invitae), Labcorp); PubMed 27627812 (cited by Labcorp Genetics (formerly Invitae), Labcorp).

NM_033380.3(COL4A5):c.619G>C (p.Gly207Arg)

Gene: COL4A5 (collagen type IV alpha 5 chain; plus strand). Cytogenetic location: Xq22.3.
Variant type: single nucleotide variant.
Coding change: c.619G>C on transcript NM_033380.3 (MANE Select); coding-DNA position 619, G replaced by C.
Protein change: p.Gly207Arg; replaces glycine 207 with arginine.
Molecular consequence: missense variant.
Genome position (GRCh38, 1-based): chrX:108,577,961, G>C. VCF-style: chrX-108577961-G-C. GRCh37 (hg19) VCF-style: chrX-107821191-G-C.
Other names: c.619G>C, p.Gly207Arg (NM_000495.5); short protein forms G207R.
Identifiers: ClinVar variation 618579 (VCV000618579.18), dbSNP rs1569490379, ClinGen allele CA413923015.